The following is an entry in ClinVar:

ClinVar aggregate classification (germline): Likely pathogenic (1 of 4 stars; one submission).

Conditions:
Spongy degeneration of central nervous system. Also called: ACY2 DEFICIENCY; AMINOACYLASE 2 DEFICIENCY; ASP DEFICIENCY; ASPA DEFICIENCY; ASPARTOACYLASE DEFICIENCY; CANAVAN-VAN BOGAERT-BERTRAND DISEASE. Identifiers: Orphanet 141, MedGen C0206307, MONDO:0010079, OMIM 271900.

Submission:

Natera, Inc.
Classification: Likely pathogenic for Canavan Disease. Last evaluated: 2024-12-03. Review status: criteria provided, single submitter. Criteria: Natera Variant Classification Schema (03/2026). Collection method: clinical testing. Allele origin: germline.
Comment: The c.847_857delGTGAATGAGGC variant in ASPA is a frameshift variant predicted to shift the reading frame beginning at codon 283 and leads to a stop codon 14 codons downstream. This variant is expected to result in nonsense mediated decay, truncation, or a dysfunctional protein product. This variant is rare in the general population with a frequency below the threshold expected for the associated phenotype(s). Given the available evidence, this variant is classified as Likely Pathogenic.

NM_000049.4(ASPA):c.847_857del (p.Val283fs)

Genes: ASPA (aspartoacylase; plus strand), SPATA22 (spermatogenesis associated 22; minus strand). Cytogenetic location: 17p13.2.
Variant type: Deletion.
Coding change: c.847_857del on transcript NM_000049.4 (MANE Select); coding-DNA positions 847 to 857, 11 bases deleted (GTGAATGAGGC).
Protein change: p.Val283fs; shifts the reading frame from valine 283.
Molecular consequence: frameshift variant. On other transcripts: intron variant (2).
Genome position (GRCh38, 1-based): chr17:3,498,993-3,499,003, GTGAATGAGGC deleted. VCF-style (leftmost placement, unchanged base first): chr17-3498992-TGTGAATGAGGC-T. GRCh37 (hg19) VCF-style: chr17-3402286-TGTGAATGAGGC-T.
Other names: c.847_857del, p.Val283fs (NM_001128085.1); c.-74+14409_-74+14419del (NM_001321336.2, NM_001321337.2); short protein forms V283fs.
Identifiers: ClinVar variation 4818521 (VCV004818521.1).